The following is an entry in ClinVar:

NM_003823.4(TNFRSF6B):c.167C>T (p.Thr56Ile)

Genes: RTEL1-TNFRSF6B (RTEL1-TNFRSF6B readthrough (NMD candidate); plus strand), TNFRSF6B (TNF receptor superfamily member 6b; plus strand). Cytogenetic location: 20q13.33.
Variant type: single nucleotide variant.
Coding change: c.167C>T on transcript NM_003823.4 (MANE Select); coding-DNA position 167, C replaced by T.
Protein change: p.Thr56Ile; replaces threonine 56 with isoleucine.
Molecular consequence: missense variant. On other transcripts: non-coding transcript variant (1).
Genome position (GRCh38, 1-based): chr20:63,696,934, C>T. VCF-style: chr20-63696934-C-T. GRCh37 (hg19) VCF-style: chr20-62328287-C-T.
Other names: short protein forms T56I.
Identifiers: ClinVar variation 2736982 (VCV002736982.3), dbSNP rs754926532, ClinGen allele CA9966347.

ClinVar aggregate classification (germline): Uncertain significance (1 of 4 stars; one submission).

Allele frequency attached by ClinVar (database versions not stated): ExAC 0.00001; gnomAD exomes 0.00001; TOPMed 0.00001.
gnomAD v4.1: 3 of 1,610,166 alleles (0.00019%); highest among the groups gnomAD compares: East Asian, 0.0045%; no homozygotes.

Submission:

Labcorp Genetics (formerly Invitae), Labcorp
Classification: Uncertain significance. Last evaluated: 2024-04-10. Review status: criteria provided, single submitter. Criteria: Invitae Variant Classification Sherloc (09022015). Collection method: clinical testing. Allele origin: germline.
Comment: This sequence change replaces threonine, which is neutral and polar, with isoleucine, which is neutral and non-polar, at codon 56 of the TNFRSF6B protein (p.Thr56Ile). This variant is present in population databases (rs754926532, gnomAD 0.01%). This missense change has been observed in individual(s) with systemic lupus erythematosus (PMID: 23729807). An algorithm developed to predict the effect of missense changes on protein structure and function (PolyPhen-2) suggests that this variant is likely to be disruptive. Experimental studies are conflicting or provide insufficient evidence to determine the effect of this variant on TNFRSF6B function (PMID: 23729807). In summary, the available evidence is currently insufficient to determine the role of this variant in disease. Therefore, it has been classified as a Variant of Uncertain Significance.

Literature cited by the submitters: PubMed 23729807.